The following is an entry in ClinVar:

NM_001267550.2(TTN):c.73347del (p.Phe24449fs)

Genes: TTN (titin; minus strand), TTN-AS1 (TTN antisense RNA 1; plus strand). Cytogenetic location: 2q31.2.
Variant type: Deletion.
Coding change: c.73347del on transcript NM_001267550.2 (MANE Select); coding-DNA position 73347, one base deleted (T; older notation c.73347delT).
Protein change: p.Phe24449fs; shifts the reading frame from phenylalanine 24449.
Molecular consequence: frameshift variant.
Genome position (GRCh38, 1-based): chr2:178,572,785, A deleted on the plus strand (T on the coding strand, the reverse complement: TTN is on the minus strand); the first of 5 consecutive A bases (chr2:178,572,785-178,572,789); deleting any one gives the same sequence. VCF-style (leftmost placement, unchanged base first): chr2-178572784-CA-C. GRCh37 (hg19) VCF-style: chr2-179437511-CA-C.
Other names: c.68424del, p.Phe22808fs (NM_001256850.1); c.46152del, p.Phe15384fs (NM_003319.4); c.65643del, p.Phe21881fs (NM_133378.4); c.46527del, p.Phe15509fs (NM_133432.3); c.46728del, p.Phe15576fs (NM_133437.4); short protein forms F15384fs, F15509fs, F15576fs, F21881fs, F22808fs, F24449fs.
Identifiers: ClinVar variation 1068025 (VCV001068025.10), dbSNP rs2154170352, ClinGen allele CA2499215366.

ClinVar aggregate classification (germline): Likely pathogenic. Review status: criteria provided, multiple submitters, no conflicts (2 of 4 stars). 2 submissions from 2 submitters: Likely pathogenic (2). Last evaluated 2024-07-11.

Conditions:
Dilated cardiomyopathy 1G (CMD1G). Identifiers: Orphanet 154, MedGen C1858763, MONDO:0011400, OMIM 604145.
Autosomal recessive limb-girdle muscular dystrophy type 2J (LGMDR10). Also called: Limb-girdle muscular dystrophy, type 2J; MUSCULAR DYSTROPHY, LIMB-GIRDLE, AUTOSOMAL RECESSIVE 10. Identifiers: Orphanet 140922, MedGen C1837342, MONDO:0012127, OMIM 608807.
Cardiomyopathy (CMYO). Also called: Cardiomyopathies. Identifiers: Orphanet 167848, MedGen C0878544, MONDO:0004994, HP:0001638. Inheritance: Various modes of inheritance.

Submissions (2):

Labcorp Genetics (formerly Invitae), Labcorp
Classification: Likely pathogenic for Dilated cardiomyopathy 1G; Autosomal recessive limb-girdle muscular dystrophy type 2J. Last evaluated: 2024-07-11. Review status: criteria provided, single submitter. Criteria: Invitae Variant Classification Sherloc (09022015). Collection method: clinical testing. Allele origin: germline.
Comment: This sequence change creates a premature translational stop signal (p.Phe24449Leufs*12) in the TTN gene. While this is not anticipated to result in nonsense mediated decay, it is expected to create a truncated TTN protein. This variant is not present in population databases (gnomAD no frequency). This premature translational stop signal has been observed in individual(s) with clinical features of dilated cardiomyopathy (Invitae). ClinVar contains an entry for this variant (Variation ID: 1068025). This variant is located in the A band of TTN (PMID: 25589632). Truncating variants in this region are significantly overrepresented in patients affected with dilated cardiomyopathy (PMID: 25589632). Truncating variants in this region have also been reported in individuals affected with autosomal recessive centronuclear myopathy (PMID: 23975875). In summary, the currently available evidence indicates that the variant is pathogenic, but additional data are needed to prove that conclusively. Therefore, this variant has been classified as Likely Pathogenic.

CHEO Genetics Diagnostic Laboratory, Children's Hospital of Eastern Ontario
Classification: Likely pathogenic for Cardiomyopathy. Last evaluated: 2020-03-19. Review status: criteria provided, single submitter. Criteria: ACMG Guidelines, 2015. Collection method: clinical testing. Allele origin: germline.

Literature cited by the submitters: PubMed 25589632 (cited by Labcorp Genetics (formerly Invitae), Labcorp); PubMed 23975875 (cited by Labcorp Genetics (formerly Invitae), Labcorp).